The following is an entry in ClinVar:

NM_000081.4(LYST):c.7489G>A (p.Ala2497Thr)

Gene: LYST (lysosomal trafficking regulator; minus strand). Cytogenetic location: 1q42.3.
Variant type: single nucleotide variant.
Coding change: c.7489G>A on transcript NM_000081.4 (MANE Select); coding-DNA position 7489, G replaced by A.
Protein change: p.Ala2497Thr; replaces alanine 2497 with threonine.
Molecular consequence: missense variant.
Genome position (GRCh38, 1-based): chr1:235,752,143, C>T on the plus strand (G>A on the coding strand, the complement: LYST is on the minus strand). VCF-style: chr1-235752143-C-T. GRCh37 (hg19) VCF-style: chr1-235915443-C-T.
Other names: c.7489G>A, p.Ala2497Thr (NM_001301365.1); short protein forms A2497T.
Identifiers: ClinVar variation 2197997 (VCV002197997.4), dbSNP rs745703349, ClinGen allele CA1466121.

ClinVar aggregate classification (germline): Uncertain significance (1 of 4 stars; one submission).

Conditions:
Chédiak-Higashi syndrome (CHS). Also called: Chediak-Higashi Syndrome. Identifiers: Orphanet 167, MedGen C0007965, MONDO:0008963, OMIM 214500.

Allele frequency attached by ClinVar (database versions not stated): ExAC 0.00001; gnomAD 0.00001; TOPMed 0.00001.
gnomAD v4.1: 1 of 1,611,264 alleles (0.000062%); highest among the groups gnomAD compares: African/African-American, 0.0013%; no homozygotes.

Submission:

Labcorp Genetics (formerly Invitae), Labcorp
Classification: Uncertain significance for Chédiak-Higashi syndrome. Last evaluated: 2024-02-16. Review status: criteria provided, single submitter. Criteria: Invitae Variant Classification Sherloc (09022015). Collection method: clinical testing. Allele origin: germline.
Comment: This sequence change replaces alanine, which is neutral and non-polar, with threonine, which is neutral and polar, at codon 2497 of the LYST protein (p.Ala2497Thr). The frequency data for this variant in the population databases is considered unreliable, as metrics indicate poor data quality at this position in the gnomAD database. This variant has not been reported in the literature in individuals affected with LYST-related conditions. ClinVar contains an entry for this variant (Variation ID: 2197997). Advanced modeling of protein sequence and biophysical properties (such as structural, functional, and spatial information, amino acid conservation, physicochemical variation, residue mobility, and thermodynamic stability) performed at Invitae indicates that this missense variant is not expected to disrupt LYST protein function with a negative predictive value of 80%. In summary, the available evidence is currently insufficient to determine the role of this variant in disease. Therefore, it has been classified as a Variant of Uncertain Significance.